The following is an entry in ClinVar:

NM_006031.6(PCNT):c.7016G>A (p.Ser2339Asn)

Gene: PCNT (pericentrin; plus strand). Cytogenetic location: 21q22.3.
Variant type: single nucleotide variant.
Coding change: c.7016G>A on transcript NM_006031.6 (MANE Select); coding-DNA position 7016, G replaced by A.
Protein change: p.Ser2339Asn; replaces serine 2339 with asparagine.
Molecular consequence: missense variant.
Genome position (GRCh38, 1-based): chr21:46,418,298, G>A. VCF-style: chr21-46418298-G-A. GRCh37 (hg19) VCF-style: chr21-47838212-G-A.
Other names: c.6662G>A, p.Ser2221Asn (NM_001315529.2); short protein forms S2339N, S2221N.
Identifiers: ClinVar variation 1406000 (VCV001406000.8), dbSNP rs1306140699, ClinGen allele CA410566371.

ClinVar aggregate classification (germline): Uncertain significance (1 of 4 stars; one submission).

Allele frequency attached by ClinVar (database versions not stated): gnomAD exomes below 0.00001.

Submission:

Labcorp Genetics (formerly Invitae), Labcorp
Classification: Uncertain significance. Last evaluated: 2022-06-20. Review status: criteria provided, single submitter. Criteria: Invitae Variant Classification Sherloc (09022015). Collection method: clinical testing. Allele origin: germline.
Comment: In summary, the available evidence is currently insufficient to determine the role of this variant in disease. Therefore, it has been classified as a Variant of Uncertain Significance. Algorithms developed to predict the effect of missense changes on protein structure and function are either unavailable or do not agree on the potential impact of this missense change (SIFT: "Tolerated"; PolyPhen-2: "Possibly Damaging"; Align-GVGD: "Class C0"). This variant has not been reported in the literature in individuals affected with PCNT-related conditions. The frequency data for this variant in the population databases is considered unreliable, as metrics indicate poor data quality at this position in the gnomAD database. This sequence change replaces serine, which is neutral and polar, with asparagine, which is neutral and polar, at codon 2339 of the PCNT protein (p.Ser2339Asn).